The following is an entry in ClinVar:

NM_001903.5(CTNNA1):c.2410G>A (p.Gly804Ser)

Gene: CTNNA1 (catenin alpha 1; plus strand). Cytogenetic location: 5q31.2.
Variant type: single nucleotide variant.
Coding change: c.2410G>A on transcript NM_001903.5 (MANE Select); coding-DNA position 2410, G replaced by A.
Protein change: p.Gly804Ser; replaces glycine 804 with serine.
Molecular consequence: missense variant. On other transcripts: intron variant (1).
Genome position (GRCh38, 1-based): chr5:138,932,689, G>A. VCF-style: chr5-138932689-G-A. GRCh37 (hg19) VCF-style: chr5-138268378-G-A.
Other names: c.2410G>A, p.Gly804Ser (NM_001290307.3, NM_001323982.2, NM_001323983.1 and 2 more transcripts); c.2101G>A, p.Gly701Ser (NM_001290309.3); c.2041G>A, p.Gly681Ser (NM_001290310.3); c.1300G>A, p.Gly434Ser (NM_001290312.1, NM_001323987.1, NM_001323988.1 and 16 more transcripts); c.2317G>A, p.Gly773Ser (NM_001323986.2); c.961G>A, p.Gly321Ser (NM_001324006.1, NM_001324007.1, NM_001324008.1 and 2 more transcripts); c.1207G>A, p.Gly403Ser (NM_001324011.1); c.1057G>A, p.Gly353Ser (NM_001324012.1, NM_001324013.1); and 1 more; short protein forms G321S, G681S, G773S, G701S, G804S, G403S, G353S, G434S.
Identifiers: ClinVar variation 952425 (VCV000952425.9), dbSNP rs1765627973, ClinGen allele CA361134525.

ClinVar aggregate classification (germline): Uncertain significance (1 of 4 stars; one submission).

gnomAD v4.1: 1 of 1,614,178 alleles (0.000062%); highest among the groups gnomAD compares: South Asian, 0.0011%; no homozygotes.

Submission:

Labcorp Genetics (formerly Invitae), Labcorp
Classification: Uncertain significance. Last evaluated: 2024-10-31. Review status: criteria provided, single submitter. Criteria: Invitae Variant Classification Sherloc (09022015). Collection method: clinical testing. Allele origin: germline.
Comment: This sequence change replaces glycine, which is neutral and non-polar, with serine, which is neutral and polar, at codon 804 of the CTNNA1 protein (p.Gly804Ser). This variant is not present in population databases (gnomAD no frequency). This variant has not been reported in the literature in individuals affected with CTNNA1-related conditions. ClinVar contains an entry for this variant (Variation ID: 952425). An algorithm developed to predict the effect of missense changes on protein structure and function (PolyPhen-2) suggests that this variant is likely to be tolerated. In summary, the available evidence is currently insufficient to determine the role of this variant in disease. Therefore, it has been classified as a Variant of Uncertain Significance.